The following is an entry in ClinVar:

ClinVar aggregate classification (germline): Uncertain significance (1 of 4 stars; one submission).

Conditions:
Neurofibromatosis, type 1 (NF1). Also called: NEUROFIBROMATOSIS, TYPE I, SOMATIC; Neurofibromatosis, type I; VON RECKLINGHAUSEN DISEASE; Peripheral type neurofibromatosis. Identifiers: Orphanet 636, MedGen C0027831, MONDO:0018975, OMIM 162200. Disease mechanism: loss of function.

Submission:

Labcorp Genetics (formerly Invitae), Labcorp
Classification: Uncertain significance for Neurofibromatosis, type 1. Last evaluated: 2021-09-24. Review status: criteria provided, single submitter. Criteria: Invitae Variant Classification Sherloc (09022015). Collection method: clinical testing. Allele origin: germline.
Comment: In summary, the available evidence is currently insufficient to determine the role of this variant in disease. Therefore, it has been classified as a Variant of Uncertain Significance. Advanced modeling of protein sequence and biophysical properties (such as structural, functional, and spatial information, amino acid conservation, physicochemical variation, residue mobility, and thermodynamic stability) performed at Invitae indicates that this missense variant is expected to disrupt NF1 protein function. This variant has not been reported in the literature in individuals affected with NF1-related conditions. This variant is not present in population databases (ExAC no frequency). This sequence change replaces threonine with isoleucine at codon 1744 of the NF1 protein (p.Thr1744Ile). The threonine residue is moderately conserved and there is a moderate physicochemical difference between threonine and isoleucine.

NM_001042492.3(NF1):c.5294C>T (p.Thr1765Ile)

Gene: NF1 (neurofibromin 1; plus strand). Cytogenetic location: 17q11.2.
Variant type: single nucleotide variant.
Coding change: c.5294C>T on transcript NM_001042492.3 (MANE Select); coding-DNA position 5294, C replaced by T.
Protein change: p.Thr1765Ile; replaces threonine 1765 with isoleucine.
Molecular consequence: missense variant.
Genome position (GRCh38, 1-based): chr17:31,327,524, C>T. VCF-style: chr17-31327524-C-T. GRCh37 (hg19) VCF-style: chr17-29654542-C-T.
Other names: c.5231C>T, p.Thr1744Ile (NM_000267.4); short protein forms T1765I, T1744I.
Identifiers: ClinVar variation 1492602 (VCV001492602.6), dbSNP rs2151540847, ClinGen allele CA399008995.